The following is an entry in ClinVar:

NM_005159.5(ACTC1):c.157G>A (p.Asp53Asn)

Genes: ACTC1 (actin alpha cardiac muscle 1; minus strand), GJD2-DT (GJD2 divergent transcript; plus strand). Cytogenetic location: 15q14.
Variant type: single nucleotide variant.
Coding change: c.157G>A on transcript NM_005159.5 (MANE Select); coding-DNA position 157, G replaced by A.
Protein change: p.Asp53Asn; replaces aspartic acid 53 with asparagine.
Molecular consequence: missense variant.
Genome position (GRCh38, 1-based): chr15:34,793,542, C>T on the plus strand (G>A on the coding strand, the complement: ACTC1 is on the minus strand). VCF-style: chr15-34793542-C-T. GRCh37 (hg19) VCF-style: chr15-35085743-C-T.
Other names: c.157G>A, p.Asp53Asn (NM_001406482.1, NM_001406483.1); c.22G>A, p.Asp8Asn (NM_001406484.1); c.-232G>A (NM_001406485.1); short protein forms D53N, D8N.
Identifiers: ClinVar variation 2162480 (VCV002162480.4), dbSNP rs2504183375, ClinGen allele CA391632181.

ClinVar aggregate classification (germline): Uncertain significance (1 of 4 stars; one submission).

Conditions:
Dilated cardiomyopathy 1R (CMD1R). Identifiers: Orphanet 154, Orphanet 54260, MedGen C3150681, MONDO:0013261, OMIM 613424.
Atrial septal defect 5 (ASD5). Identifiers: Orphanet 1478, MedGen C2748552, MONDO:0013011, OMIM 612794.
Hypertrophic cardiomyopathy 11. Also called: ACTC1-Related Familial Hypertrophic Cardiomyopathy. Identifiers: MedGen C2677506, MONDO:0012799, OMIM 612098.

Submission:

Labcorp Genetics (formerly Invitae), Labcorp
Classification: Uncertain significance for Dilated cardiomyopathy 1R; Hypertrophic cardiomyopathy 11; Atrial septal defect 5. Last evaluated: 2024-12-16. Review status: criteria provided, single submitter. Criteria: Invitae Variant Classification Sherloc (09022015). Collection method: clinical testing. Allele origin: germline.
Comment: This sequence change replaces aspartic acid, which is acidic and polar, with asparagine, which is neutral and polar, at codon 53 of the ACTC1 protein (p.Asp53Asn). This variant is not present in population databases (gnomAD no frequency). This variant has not been reported in the literature in individuals affected with ACTC1-related conditions. ClinVar contains an entry for this variant (Variation ID: 2162480). Invitae Evidence Modeling of protein sequence and biophysical properties (such as structural, functional, and spatial information, amino acid conservation, physicochemical variation, residue mobility, and thermodynamic stability) indicates that this missense variant is not expected to disrupt ACTC1 protein function with a negative predictive value of 80%. In summary, the available evidence is currently insufficient to determine the role of this variant in disease. Therefore, it has been classified as a Variant of Uncertain Significance.